The following is an entry in ClinVar:

ClinVar aggregate classification (germline): Likely pathogenic (1 of 4 stars; one submission).

Conditions:
Propionic acidemia (PROP). Also called: GLYCINEMIA, KETOTIC; HYPERGLYCINEMIA WITH KETOACIDOSIS AND LEUKOPENIA; KETOTIC HYPERGLYCINEMIA. Identifiers: Orphanet 35, MedGen C0268579, MONDO:0011628, OMIM 606054, HP:0003571.

Submission:

Myriad Genetics, Inc.
Classification: Likely pathogenic for Propionic acidemia. Last evaluated: 2021-12-17. Review status: criteria provided, single submitter. Criteria: Myriad Women's Health Autosomal Recessive and X-Linked Classification Criteria (2021). Collection method: clinical testing. Allele origin: unknown.
Comment: NM_000282.3(PCCA):c.904G>T(E302*) is expected to be pathogenic in the context of PCCA-related propionic acidemia. This variant is predicted to lead to an abnormal or absent protein product due to the creation of a premature termination codon in PCCA, a gene where loss-of-function variants are known to be pathogenic. Please note: this variant was assessed in the context of healthy population screening.

NM_000282.4(PCCA):c.904G>T (p.Glu302Ter)

Gene: PCCA (propionyl-CoA carboxylase subunit alpha; plus strand). Cytogenetic location: 13q32.3.
Variant type: single nucleotide variant.
Coding change: c.904G>T on transcript NM_000282.4 (MANE Select); coding-DNA position 904, G replaced by T.
Protein change: p.Glu302Ter; replaces glutamic acid 302 with a stop codon.
Molecular consequence: nonsense. On other transcripts: 5 prime UTR variant (3), non-coding transcript variant (5).
Genome position (GRCh38, 1-based): chr13:100,268,773, G>T. VCF-style: chr13-100268773-G-T. GRCh37 (hg19) VCF-style: chr13-100921027-G-T.
Other names: c.904G>T, p.Glu302Ter (NM_001178004.2, NM_001352605.2, NM_001352606.2 and 1 more transcripts); c.826G>T, p.Glu276Ter (NM_001127692.3, NM_001352607.2, NM_001352608.2); c.-42G>T (NM_001352610.2, NM_001352611.2, NM_001352612.2); short protein forms E276*, E302*.
Identifiers: ClinVar variation 1726523 (VCV001726523.2), dbSNP rs775686458, ClinGen allele CA388694637.
Genomic context (GRCh38, chr13:100,268,773, plus strand): 5'-GCTTTATGGCTTAATGAAAGAGAGTGCTCAATTCAGAGAAGAAATCAGAAGGTGGTGGAG[G>T]AAGCACCAAGGTAAGTCTCCTAAGAAACATTTATAAAGCGGCTGCTTTTATGCATTTCAT-3'